The following is an entry in ClinVar:

ClinVar aggregate classification (germline): Pathogenic/Likely pathogenic. Review status: criteria provided, multiple submitters, no conflicts (2 of 4 stars). 3 submissions from 3 submitters: Pathogenic (1); Likely pathogenic (2). Last evaluated 2025-03-09.

Conditions:
Fanconi anemia (FA). Also called: Fanconi's anemia. Identifiers: Orphanet 84, MedGen C0015625, MeSH D005199, MONDO:0019391.
Fanconi anemia complementation group G. Also called: FANCG-Related Fanconi Anemia; Fanconi anemia group G. Identifiers: Orphanet 84, MedGen C3469527, MONDO:0013565, OMIM 614082.

Allele frequency attached by ClinVar (database versions not stated): gnomAD exomes below 0.00001.
gnomAD v4.1: 5 of 1,608,708 alleles (0.00031%); highest among the groups gnomAD compares: Non-Finnish European, 0.00042%; no homozygotes.

Submissions (3):

Natera, Inc.
Classification: Likely pathogenic for Fanconi anemia group G. Last evaluated: 2025-03-09. Review status: criteria provided, single submitter. Criteria: Natera Variant Classification Schema (03/2026). Collection method: clinical testing. Allele origin: germline.
Comment: The c.121C>T variant in FANCG is a nonsense variant predicted to introduce a stop codon at amino acid 41. This variant is expected to result in nonsense mediated decay, truncation, or a dysfunctional protein product. This variant is rare in the general population with a frequency below the threshold expected for the associated phenotype(s). Given the available evidence, this variant is classified as Likely Pathogenic.

Labcorp Genetics (formerly Invitae), Labcorp
Classification: Pathogenic for Fanconi anemia. Last evaluated: 2023-07-17. Review status: criteria provided, single submitter. Criteria: Invitae Variant Classification Sherloc (09022015). Collection method: clinical testing. Allele origin: germline.
Comment: For these reasons, this variant has been classified as Pathogenic. ClinVar contains an entry for this variant (Variation ID: 1915448). This variant has not been reported in the literature in individuals affected with FANCG-related conditions. This variant is not present in population databases (gnomAD no frequency). This sequence change creates a premature translational stop signal (p.Gln41*) in the FANCG gene. It is expected to result in an absent or disrupted protein product. Loss-of-function variants in FANCG are known to be pathogenic (PMID: 12552564).

Baylor Genetics
Classification: Likely pathogenic for Fanconi anemia complementation group G. Last evaluated: 2023-05-13. Review status: criteria provided, single submitter. Criteria: ACMG Guidelines, 2015. Collection method: clinical testing. Allele origin: unknown.

Literature cited by the submitters: PubMed 12552564 (cited by Labcorp Genetics (formerly Invitae), Labcorp).

NM_004629.2(FANCG):c.121C>T (p.Gln41Ter)

Gene: FANCG (FA complementation group G; minus strand). Cytogenetic location: 9p13.3.
Variant type: single nucleotide variant.
Coding change: c.121C>T on transcript NM_004629.2 (MANE Select); coding-DNA position 121, C replaced by T.
Protein change: p.Gln41Ter; replaces glutamine 41 with a stop codon.
Molecular consequence: nonsense.
Genome position (GRCh38, 1-based): chr9:35,079,205, G>A on the plus strand (C>T on the coding strand, the complement: FANCG is on the minus strand). VCF-style: chr9-35079205-G-A. GRCh37 (hg19) VCF-style: chr9-35079202-G-A.
Other names: short protein forms Q41*.
Identifiers: ClinVar variation 1915448 (VCV001915448.7), dbSNP rs2131059848, ClinGen allele CA373315716.